The following is an entry in ClinVar:

NM_000548.5(TSC2):c.5019C>T (p.Val1673=)

Gene: TSC2 (TSC complex subunit 2; plus strand). Cytogenetic location: 16p13.3.
Variant type: single nucleotide variant.
Coding change: c.5019C>T on transcript NM_000548.5 (MANE Select); coding-DNA position 5019, C replaced by T.
Protein change: p.Val1673=; no amino-acid change (valine 1673 retained).
Molecular consequence: synonymous variant.
Genome position (GRCh38, 1-based): chr16:2,087,892, C>T. VCF-style: chr16-2087892-C-T. GRCh37 (hg19) VCF-style: chr16-2137893-C-T.
Other names: c.4818C>T, p.Val1606= (NM_001077183.3); c.4950C>T, p.Val1650= (NM_001114382.3); c.4710C>T, p.Val1570= (NM_001318827.2); c.4674C>T, p.Val1558= (NM_001318829.2); c.4287C>T, p.Val1429= (NM_001318831.2); c.4851C>T, p.Val1617= (NM_001318832.2); c.4821C>T, p.Val1607= (NM_001363528.2); c.4887C>T, p.Val1629= (NM_001370404.1); and 2 more.
Identifiers: ClinVar variation 1561405 (VCV001561405.10), dbSNP rs374149407, ClinGen allele CA053514.
Genomic context (GRCh38, chr16:2,087,892, plus strand): 5'-GCGGGGATGACCCTTTCTCTTGTCCGGGCAGGGCCAGTTCAACTTTGTCCACGTGATCGT[C>T]ACCCCGCTGGACTACGAGTGCAACCTGGTGTCCCTGCAGTGCAGGAAAGGTAGGGCCGGG-3'
Protein context (NP_000539.2, residues 1663-1683): KGQFNFVHVI[Val1673=]TPLDYECNLV

ClinVar aggregate classification (germline): Benign/Likely benign. Review status: criteria provided, multiple submitters, no conflicts (2 of 4 stars). 3 submissions from 3 submitters: Benign (1); Likely benign (2). Last evaluated 2025-08-04.

Conditions:
Hereditary cancer-predisposing syndrome. Also called: Neoplastic Syndromes, Hereditary; Hereditary Cancer Syndrome; Hereditary neoplastic syndrome; Tumor predisposition. Identifiers: Orphanet 140162, MedGen C0027672, MeSH D009386, MONDO:0015356.
Tuberous sclerosis 2 (TSC2). Identifiers: Orphanet 805, MedGen C1860707, MONDO:0013199, OMIM 613254.

Allele frequency attached by ClinVar (database versions not stated): gnomAD exomes below 0.00001; ExAC 0.00001; ESP Exome Variant Server 0.00008.

Submissions (3):

Ambry Genetics
Classification: Likely benign for Hereditary cancer-predisposing syndrome. Last evaluated: 2025-08-04. Review status: criteria provided, single submitter. Criteria: Ambry Variant Classification Scheme 2023. Collection method: clinical testing. Allele origin: germline.

Myriad Genetics, Inc.
Classification: Benign for Tuberous sclerosis 2. Last evaluated: 2025-06-05. Review status: criteria provided, single submitter. Criteria: Myriad Autosomal Dominant, Autosomal Recessive and X-Linked Classification Criteria (2023). Collection method: clinical testing. Allele origin: unknown.
Comment: This variant is considered benign. This variant is a silent/synonymous amino acid change and it is not expected to impact splicing.

Labcorp Genetics (formerly Invitae), Labcorp
Classification: Likely benign for Tuberous sclerosis 2. Last evaluated: 2024-11-10. Review status: criteria provided, single submitter. Criteria: Invitae Variant Classification Sherloc (09022015). Collection method: clinical testing. Allele origin: germline.